The following is an entry in ClinVar:

NM_152383.5(DIS3L2):c.2548G>A (p.Ala850Thr)

Gene: DIS3L2 (DIS3 like 3'-5' exoribonuclease 2; plus strand). Cytogenetic location: 2q37.1.
Variant type: single nucleotide variant.
Coding change: c.2548G>A on transcript NM_152383.5 (MANE Select); coding-DNA position 2548, G replaced by A.
Protein change: p.Ala850Thr; replaces alanine 850 with threonine.
Molecular consequence: missense variant. On other transcripts: non-coding transcript variant (2), intron variant (1).
Genome position (GRCh38, 1-based): chr2:232,336,520, G>A. VCF-style: chr2-232336520-G-A. GRCh37 (hg19) VCF-style: chr2-233201230-G-A.
Other names: c.1582-6825G>A (NM_001257281.2); short protein forms A850T.
Identifiers: ClinVar variation 939424 (VCV000939424.9), dbSNP rs1464648812, ClinGen allele CA350978938.

ClinVar aggregate classification (germline): Uncertain significance (1 of 4 stars; one submission).

Conditions:
Perlman syndrome (PRLMNS). Identifiers: Orphanet 2849, MedGen C0796113, MONDO:0009965, OMIM 267000.

Allele frequency attached by ClinVar (database versions not stated): gnomAD exomes below 0.00001.
gnomAD v4.1: 1 of 1,611,116 alleles (0.000062%); highest among the groups gnomAD compares: Admixed American, 0.0017%; no homozygotes.

Submission:

Labcorp Genetics (formerly Invitae), Labcorp
Classification: Uncertain significance for Perlman syndrome. Last evaluated: 2020-06-10. Review status: criteria provided, single submitter. Criteria: Invitae Variant Classification Sherloc (09022015). Collection method: clinical testing. Allele origin: germline.
Comment: Algorithms developed to predict the effect of missense changes on protein structure and function output the following: SIFT: "Tolerated"; PolyPhen-2: "Benign"; Align-GVGD: "Class C0". The threonine amino acid residue is found in multiple mammalian species, suggesting that this missense change does not adversely affect protein function. These predictions have not been confirmed by published functional studies and their clinical significance is uncertain. This variant has not been reported in the literature in individuals with DIS3L2-related conditions. This variant is not present in population databases (ExAC no frequency). This sequence change replaces alanine with threonine at codon 850 of the DIS3L2 protein (p.Ala850Thr). The alanine residue is weakly conserved and there is a small physicochemical difference between alanine and threonine. In summary, the available evidence is currently insufficient to determine the role of this variant in disease. Therefore, it has been classified as a Variant of Uncertain Significance.